The following is an entry in ClinVar:

ClinVar aggregate classification (germline): Likely benign (1 of 4 stars; one submission).

Conditions:
TBC1D1-related disorder. Also called: TBC1D1-related condition.

gnomAD v4.1: 58 of 1,595,812 alleles (0.0036%); highest among the groups gnomAD compares: African/African-American, 0.067%; no homozygotes.

Submission:

PreventionGenetics, part of Exact Sciences
Classification: Likely benign for TBC1D1-related condition. Last evaluated: 2025-02-05. Review status: criteria provided, single submitter. Criteria: ACMG Guidelines, 2015. Collection method: clinical testing. Allele origin: germline.
Comment: This variant is classified as likely benign based on ACMG/AMP sequence variant interpretation guidelines (Richards et al. 2015 PMID: 25741868, with internal and published modifications).

NM_001396959.1(TBC1D1):c.1167C>T (p.Gly389=)

Gene: TBC1D1 (TBC1 domain family member 1; plus strand). Cytogenetic location: 4p14.
Variant type: single nucleotide variant.
Coding change: c.1167C>T on transcript NM_001396959.1 (MANE Select); coding-DNA position 1167, C replaced by T.
Protein change: p.Gly389=; no amino-acid change (glycine 389 retained).
Molecular consequence: synonymous variant.
Genome position (GRCh38, 1-based): chr4:38,021,675, C>T. VCF-style: chr4-38021675-C-T. GRCh37 (hg19) VCF-style: chr4-38023296-C-T.
Other names: c.1167C>T, p.Gly389= (NM_001253912.2, NM_015173.4).
Identifiers: ClinVar variation 4981131 (VCV004981131.1).